The following is an entry in ClinVar:

ClinVar aggregate classification (germline): Uncertain significance. Review status: criteria provided, multiple submitters, no conflicts (2 of 4 stars). 2 submissions from 2 submitters: Uncertain significance (2). Last evaluated 2021-12-07.

Conditions:
Wolcott-Rallison dysplasia. Also called: Wolcott-Rallison syndrome; MED-IDDM SYNDROME. Identifiers: Orphanet 1667, MedGen C0432217, MONDO:0009192, OMIM 226980.

Allele frequency attached by ClinVar (database versions not stated): gnomAD 0.00003 and 0.00004; gnomAD exomes 0.00003; TOPMed 0.00003.
gnomAD v4.1: 62 of 1,614,046 alleles (0.0038%); highest among the groups gnomAD compares: Non-Finnish European, 0.0047%; no homozygotes.

Submissions (2):

Fulgent Genetics
Classification: Uncertain significance for Wolcott-Rallison dysplasia. Last evaluated: 2021-12-07. Review status: criteria provided, single submitter. Criteria: ACMG Guidelines, 2015. Collection method: clinical testing. Allele origin: unknown.

Labcorp Genetics (formerly Invitae), Labcorp
Classification: Uncertain significance. Last evaluated: 2021-09-01. Review status: criteria provided, single submitter. Criteria: Invitae Variant Classification Sherloc (09022015). Collection method: clinical testing. Allele origin: germline.
Comment: This sequence change replaces serine with tyrosine at codon 721 of the EIF2AK3 protein (p.Ser721Tyr). The serine residue is highly conserved and there is a large physicochemical difference between serine and tyrosine. This variant is not present in population databases (ExAC no frequency). This variant has not been reported in the literature in individuals affected with EIF2AK3-related conditions. Algorithms developed to predict the effect of missense changes on protein structure and function are either unavailable or do not agree on the potential impact of this missense change (SIFT: "Deleterious"; PolyPhen-2: "Benign"; Align-GVGD: "Class C15"). In summary, the available evidence is currently insufficient to determine the role of this variant in disease. Therefore, it has been classified as a Variant of Uncertain Significance.

NM_004836.7(EIF2AK3):c.2162C>A (p.Ser721Tyr)

Genes: EIF2AK3 (eukaryotic translation initiation factor 2 alpha kinase 3; minus strand), EIF2AK3-AS1 (EIF2AK3 antisense RNA 1; plus strand). Cytogenetic location: 2p11.2.
Variant type: single nucleotide variant.
Coding change: c.2162C>A on transcript NM_004836.7 (MANE Select); coding-DNA position 2162, C replaced by A.
Protein change: p.Ser721Tyr; replaces serine 721 with tyrosine.
Molecular consequence: missense variant. On other transcripts: non-coding transcript variant (1).
Genome position (GRCh38, 1-based): chr2:88,575,321, G>T on the plus strand (C>A on the coding strand, the complement: EIF2AK3 is on the minus strand). VCF-style: chr2-88575321-G-T. GRCh37 (hg19) VCF-style: chr2-88874839-G-T.
Other names: c.1709C>A, p.Ser570Tyr (NM_001313915.2); short protein forms S570Y, S721Y.
Identifiers: ClinVar variation 1511720 (VCV001511720.6), dbSNP rs947040918, ClinGen allele CA51486528.
Genomic context (GRCh38, chr2:88,575,321, plus strand): 5'-AGTGGTGAGAACTGGCTCTCAGATGAACTTGTCTGGTCACAGGAAATCCCTACTGAAAAA[G>T]ACCTGCTTCTTTGTGGTGAAGGAGCTATGATTTCAATATGTTCTTTTGTAGCGAAAGGAT-3'
Protein context (NP_004827.4, residues 711-731): IIAPSPQRSR[Ser721Tyr]FSVGISCDQT